The following is an entry in ClinVar:

ClinVar aggregate classification (germline): Uncertain significance (1 of 4 stars; one submission).

Submission:

CeGaT Center for Human Genetics Tuebingen
Classification: Uncertain significance. Last evaluated: 2025-06-01. Review status: criteria provided, single submitter. Criteria: CeGaT Center For Human Genetics Tuebingen Variant Classification Criteria Version 2. Collection method: clinical testing. Allele origin: germline. Affected: yes. Observed: 1 variant allele.
Comment: CDSN: PM2

NM_001264.5(CDSN):c.1117G>C (p.Gly373Arg)

Genes: CDSN (corneodesmosin; minus strand), PSORS1C1 (psoriasis susceptibility 1 candidate 1; plus strand). Cytogenetic location: 6p21.33.
Variant type: single nucleotide variant.
Coding change: c.1117G>C on transcript NM_001264.5 (MANE Select); coding-DNA position 1117, G replaced by C.
Protein change: p.Gly373Arg; replaces glycine 373 with arginine.
Molecular consequence: missense variant. On other transcripts: intron variant (1).
Genome position (GRCh38, 1-based): chr6:31,116,498, C>G on the plus strand (G>C on the coding strand, the complement: CDSN is on the minus strand). VCF-style: chr6-31116498-C-G. GRCh37 (hg19) VCF-style: chr6-31084275-C-G.
Other names: c.-229+1607C>G (NM_014068.3); short protein forms G373R.
Identifiers: ClinVar variation 3906055 (VCV003906055.10).
Genomic context (GRCh38, chr6:31,116,498, plus strand): 5'-GAGAGCAGGGTCCCTTGGAGCCCGTGGAGCCGCCTCCACAGAGCTGGACCCCACCAGTCC[C>G]CACTGGCTGGAATGCAATGGCCGAGGAAGCTGCCGACTGGCTGGGGATGATGGGGTTGCT-3'
Protein context (NP_001255.4, residues 363-383): ASSAIAFQPV[Gly373Arg]TGGVQLCGGG